The following is an entry in ClinVar:

NM_001110556.2(FLNA):c.3487G>C (p.Val1163Leu)

Gene: FLNA (filamin A; minus strand). Cytogenetic location: Xq28.
Variant type: single nucleotide variant.
Coding change: c.3487G>C on transcript NM_001110556.2 (MANE Select); coding-DNA position 3487, G replaced by C.
Protein change: p.Val1163Leu; replaces valine 1163 with leucine.
Molecular consequence: missense variant.
Genome position (GRCh38, 1-based): chrX:154,360,308, C>G on the plus strand (G>C on the coding strand, the complement: FLNA is on the minus strand). VCF-style: chrX-154360308-C-G. GRCh37 (hg19) VCF-style: chrX-153588676-C-G.
Other names: c.3487G>C, p.Val1163Leu (NM_001456.4); short protein forms V1163L.
Identifiers: ClinVar variation 1684746 (VCV001684746.4), dbSNP rs2148112185, ClinGen allele CA415227034.

ClinVar aggregate classification (germline): Uncertain significance. Review status: criteria provided, multiple submitters, no conflicts (2 of 4 stars). 2 submissions from 2 submitters: Uncertain significance (2). Last evaluated 2023-07-25.

Conditions:
Heterotopia, periventricular, X-linked dominant (PVNH1). Also called: PERIVENTRICULAR NODULAR HETEROTOPIA 1; X-linked periventricular heterotopia; PERIVENTRICULAR NODULAR HETEROTOPIA 4; HETEROTOPIA, PERIVENTRICULAR, 1. Identifiers: Orphanet 2149, Orphanet 82004, MedGen C1848213, MONDO:0010233, OMIM 300049.
Oto-palato-digital syndrome, type II (OPD2). Also called: FACIOPALATOOSSEOUS SYNDROME; OPD II SYNDROME; Otopalatodigital Syndrome Type 2 (FLNA-OPD2); Otopalatodigital Syndrome, Type II. Identifiers: Orphanet 669, Orphanet 90652, MedGen C1844696, MONDO:0010571, OMIM 304120.
Frontometaphyseal dysplasia (FMD1). Identifiers: Orphanet 1826, MedGen C0265293, MONDO:0015942.
Melnick-Needles syndrome (MNS). Also called: MELNICK-NEEDLES OSTEODYSPLASTY; OSTEODYSPLASTY OF MELNICK AND NEEDLES; Melnick-Needles Syndrome (FLNA-MNS). Identifiers: Orphanet 2484, MedGen C0025237, MONDO:0010650, OMIM 309350.

Submissions (2):

Labcorp Genetics (formerly Invitae), Labcorp
Classification: Uncertain significance for Oto-palato-digital syndrome, type II; Heterotopia, periventricular, X-linked dominant; Frontometaphyseal dysplasia; Melnick-Needles syndrome. Last evaluated: 2023-07-25. Review status: criteria provided, single submitter. Criteria: Invitae Variant Classification Sherloc (09022015). Collection method: clinical testing. Allele origin: germline.
Comment: This sequence change replaces valine, which is neutral and non-polar, with leucine, which is neutral and non-polar, at codon 1163 of the FLNA protein (p.Val1163Leu). This variant is not present in population databases (gnomAD no frequency). This missense change has been observed in individual(s) with Melnick-Needles syndrome (PMID: 27193221). It has also been observed to segregate with disease in related individuals. ClinVar contains an entry for this variant (Variation ID: 1684746). Advanced modeling of protein sequence and biophysical properties (such as structural, functional, and spatial information, amino acid conservation, physicochemical variation, residue mobility, and thermodynamic stability) performed at Invitae indicates that this missense variant is not expected to disrupt FLNA protein function. In summary, the available evidence is currently insufficient to determine the role of this variant in disease. Therefore, it has been classified as a Variant of Uncertain Significance.

Mendelics
Classification: Uncertain significance. Last evaluated: 2022-05-04. Review status: criteria provided, single submitter. Criteria: Mendelics Assertion Criteria 2019. Collection method: clinical testing. Allele origin: germline.

Literature cited by the submitters: PubMed 27193221 (cited by Labcorp Genetics (formerly Invitae), Labcorp).